The following is an entry in ClinVar:

NM_182914.3(SYNE2):c.13489G>T (p.Glu4497Ter)

Gene: SYNE2 (spectrin repeat containing nuclear envelope protein 2; plus strand). Cytogenetic location: 14q23.2.
Variant type: single nucleotide variant.
Coding change: c.13489G>T on transcript NM_182914.3 (MANE Select); coding-DNA position 13489, G replaced by T.
Protein change: p.Glu4497Ter; replaces glutamic acid 4497 with a stop codon.
Molecular consequence: nonsense.
Genome position (GRCh38, 1-based): chr14:64,125,145, G>T. VCF-style: chr14-64125145-G-T. GRCh37 (hg19) VCF-style: chr14-64591863-G-T.
Other names: c.13489G>T, p.Glu4497Ter (NM_015180.6); short protein forms E4497*.
Identifiers: ClinVar variation 970688 (VCV000970688.1), dbSNP rs1350663000, ClinGen allele CA389967131.

ClinVar aggregate classification (germline): Uncertain significance (1 of 4 stars; one submission).

Conditions:
Emery-Dreifuss muscular dystrophy 5, autosomal dominant (EDMD5). Also called: EMERY-DREIFUSS MUSCULAR DYSTROPHY 5. Identifiers: Orphanet 261, MedGen C2751805, MONDO:0013072, OMIM 612999.

Allele frequency attached by ClinVar (database versions not stated): gnomAD exomes below 0.00001.
gnomAD v4.1: 1 of 1,614,176 alleles (0.000062%); highest among the groups gnomAD compares: Admixed American, 0.0017%; no homozygotes.

Submission:

Labcorp Genetics (formerly Invitae), Labcorp
Classification: Uncertain significance for Emery-Dreifuss muscular dystrophy 5, autosomal dominant. Last evaluated: 2019-10-18. Review status: criteria provided, single submitter. Criteria: Invitae Variant Classification Sherloc (09022015). Collection method: clinical testing. Allele origin: germline.
Comment: This sequence change creates a premature translational stop signal (p.Glu4497*) in the SYNE2 gene. It is expected to result in an absent or disrupted protein product. This variant is not present in population databases (ExAC no frequency). This variant has not been reported in the literature in individuals with SYNE2-related conditions. The current clinical and genetic evidence is not sufficient to establish whether loss-of-function variants in SYNE2 cause disease. In summary, the available evidence is currently insufficient to determine the role of this variant in disease. Therefore, it has been classified as a Variant of Uncertain Significance.